The following is an entry in ClinVar:

NM_002439.5(MSH3):c.3170A>C (p.Tyr1057Ser)

Gene: MSH3 (mutS homolog 3; plus strand). Cytogenetic location: 5q14.1.
Variant type: single nucleotide variant.
Coding change: c.3170A>C on transcript NM_002439.5 (MANE Select); coding-DNA position 3170, A replaced by C.
Protein change: p.Tyr1057Ser; replaces tyrosine 1057 with serine.
Molecular consequence: missense variant.
Genome position (GRCh38, 1-based): chr5:80,873,155, A>C. VCF-style: chr5-80873155-A-C. GRCh37 (hg19) VCF-style: chr5-80168974-A-C.
Other names: short protein forms Y1057S.
Identifiers: ClinVar variation 3913609 (VCV003913609.1).

ClinVar aggregate classification (germline): Uncertain significance (1 of 4 stars; one submission).

Conditions:
Hereditary cancer-predisposing syndrome. Also called: Hereditary Cancer Syndrome; Hereditary neoplastic syndrome; Neoplastic Syndromes, Hereditary; Tumor predisposition. Identifiers: Orphanet 140162, MedGen C0027672, MeSH D009386, MONDO:0015356.

Submission:

Ambry Genetics
Classification: Uncertain significance for Hereditary cancer-predisposing syndrome. Last evaluated: 2025-03-29. Review status: criteria provided, single submitter. Criteria: Ambry Variant Classification Scheme 2023. Collection method: clinical testing. Allele origin: germline.
Comment: The p.Y1057S variant (also known as c.3170A>C), located in coding exon 23 of the MSH3 gene, results from an A to C substitution at nucleotide position 3170. The tyrosine at codon 1057 is replaced by serine, an amino acid with dissimilar properties. This amino acid position is conserved. In addition, this alteration is predicted to be deleterious by in silico analysis. Based on the available evidence, the clinical significance of this variant remains unclear.